The following is an entry in ClinVar:

NM_003919.3(SGCE):c.444_447del (p.Ile148_Asn149insTer)

Genes: CASD1 (CAS1 domain sialic acid O acetyltransferase 1; plus strand), SGCE (sarcoglycan epsilon; minus strand). Cytogenetic location: 7q21.3.
Variant type: Microsatellite.
Coding change: c.444_447del on transcript NM_003919.3 (MANE Select); coding-DNA positions 444 to 447, 4 bases deleted (TAAT; older notation c.444_447delTAAT).
Protein change: p.Ile148_Asn149insTer.
Molecular consequence: frameshift variant.
Genome position (GRCh38, 1-based): chr7:94,623,341-94,623,344, ATTA deleted on the plus strand (TAAT on the coding strand, the reverse complement: SGCE is on the minus strand); deleting any 4 consecutive bases within chr7:94,623,341-94,623,348 gives the same sequence; the c. name uses the placement nearest the transcript's 3' end. VCF-style (leftmost placement, unchanged base first): chr7-94623340-TATTA-T. GRCh37 (hg19) VCF-style: chr7-94252652-TATTA-T.
Other names: c.444_447del, p.Ile148_Asn149insTer (NM_001099400.2, NM_001099401.2, NM_001346717.2); c.321_324del, p.Ile107_Asn108insTer (NM_001301139.2, NM_001362809.2); c.552_555del, p.Ile184_Asn185insTer (NM_001346713.2, NM_001346715.2); c.357_360del, p.Ile119_Asn120insTer (NM_001346719.2, NM_001362807.2); c.171_174del, p.Ile57_Asn58insTer (NM_001346720.2, NM_001362808.2).
Identifiers: ClinVar variation 646818 (VCV000646818.9), dbSNP rs1584663425, ClinGen allele CA915945366.
Genomic context (GRCh38, chr7:94,623,340, plus strand): 5'-ATACTTCTTATAAATAAGAAATGATCAACATATTTTCATACCTACCTTCTGCAGACATTA[TATTA>T]ATTATCAAATTATGCCTTGCAGTCTCAAAGGTGCGCCTGTTGTAGGCAGTTATCTATTAT-3'

ClinVar aggregate classification (germline): Pathogenic. Review status: criteria provided, multiple submitters, no conflicts (2 of 4 stars). 2 submissions from 2 submitters: Pathogenic (2). Last evaluated 2022-05-03.

Conditions:
Myoclonic dystonia 11 (DYT11). Also called: Myoclonic dystonia; Dystonia 11; Dystonia, alcohol responsive; Hereditary essential myoclonus; SGCE Myoclonus-Dystonia; Myoclonus-Dystonia. Identifiers: Orphanet 36899, MedGen C1834570, MONDO:0008044, OMIM 159900.

Submissions (2):

Laboratory of Medical Genetics, National & Kapodistrian University of Athens
Classification: Pathogenic for Myoclonic dystonia 11. Last evaluated: 2022-05-03. Review status: criteria provided, single submitter. Criteria: ACMG Guidelines, 2015. Collection method: clinical testing. Allele origin: germline. Affected: yes.
Comment: PVS1, PM2, PP5

Labcorp Genetics (formerly Invitae), Labcorp
Classification: Pathogenic for Myoclonic dystonia 11. Last evaluated: 2018-08-15. Review status: criteria provided, single submitter. Criteria: Invitae Variant Classification Sherloc (09022015). Collection method: clinical testing. Allele origin: germline.
Comment: This sequence change creates a premature translational stop signal (p.Asn149*) in the SGCE gene. It is expected to result in an absent or disrupted protein product. This variant is not present in population databases (ExAC no frequency). This variant has been observed in individuals affected with essential myoclonus or myoclonus-dystonia (PMID: 16227522). Loss-of-function variants in SGCE are known to be pathogenic (PMID: 12821748, 15389977, 24297365). For these reasons, this variant has been classified as Pathogenic.

Literature cited by the submitters: PubMed 16227522 (cited by Labcorp Genetics (formerly Invitae), Labcorp); PubMed 12821748 (cited by Labcorp Genetics (formerly Invitae), Labcorp); PubMed 15389977 (cited by Labcorp Genetics (formerly Invitae), Labcorp); PubMed 24297365 (cited by Labcorp Genetics (formerly Invitae), Labcorp).